The following is an entry in ClinVar:

NM_001561.6(TNFRSF9):c.740AAG[3] (p.Glu250del)

Gene: TNFRSF9 (TNF receptor superfamily member 9; minus strand). Cytogenetic location: 1p36.23.
Variant type: Microsatellite.
Coding change: c.740AAG[3] on transcript NM_001561.6 (MANE Select); three copies in a row of the 3-base unit AAG starting at c.740; the reference has four copies in a row; one copy, 3 bases deleted.
Protein change: p.Glu250del; deletes glutamic acid 250.
Molecular consequence: inframe deletion.
Genome position (GRCh38, 1-based): chr1:7,920,852-7,920,854, CTT deleted on the plus strand (AAG on the coding strand, the reverse complement: TNFRSF9 is on the minus strand); deleting any 3 consecutive bases within chr1:7,920,852-7,920,865 gives the same sequence; the position shown is the placement nearest the transcript's 3' end. VCF-style (leftmost placement, unchanged base first): chr1-7920851-CCTT-C. GRCh37 (hg19) VCF-style: chr1-7980911-CCTT-C.
Other names: short protein forms E250del.
Identifiers: ClinVar variation 1916555 (VCV001916555.2), dbSNP rs774969734, ClinGen allele CA569111.

ClinVar aggregate classification (germline): Uncertain significance (1 of 4 stars; one submission).

Submission:

Labcorp Genetics (formerly Invitae), Labcorp
Classification: Uncertain significance. Last evaluated: 2022-07-18. Review status: criteria provided, single submitter. Criteria: Invitae Variant Classification Sherloc (09022015). Collection method: clinical testing. Allele origin: germline.
Comment: This variant, c.749_751del, results in the deletion of 1 amino acid(s) of the TNFRSF9 protein (p.Glu250del), but otherwise preserves the integrity of the reading frame. The frequency data for this variant in the population databases is considered unreliable, as metrics indicate poor data quality at this position in the gnomAD database. This variant has not been reported in the literature in individuals affected with TNFRSF9-related conditions. Experimental studies and prediction algorithms are not available or were not evaluated, and the functional significance of this variant is currently unknown. In summary, the available evidence is currently insufficient to determine the role of this variant in disease. Therefore, it has been classified as a Variant of Uncertain Significance.